The following is an entry in ClinVar:

ClinVar aggregate classification (germline): Likely benign (1 of 4 stars; one submission).

Conditions:
Diamond-Blackfan anemia 3 (DBA3). Also called: RPS24-Related Diamond-Blackfan Anemia. Identifiers: Orphanet 124, MedGen C1857719, MONDO:0012529, OMIM 610629.

Allele frequency attached by ClinVar (database versions not stated): TOPMed 0.00014; ESP Exome Variant Server 0.00023.
gnomAD v4.1: 96 of 1,613,908 alleles (0.0059%); highest among the groups gnomAD compares: African/African-American, 0.017%; no homozygotes.

Submission:

Illumina Laboratory Services, Illumina
Classification: Likely benign for Diamond-Blackfan anemia 3. Last evaluated: 2018-01-12. Review status: criteria provided, single submitter. Criteria: ICSL Variant Classification Criteria 13 December 2019. Collection method: clinical testing. Allele origin: germline.
Comment: This variant was observed in the ICSL laboratory as part of a predisposition screen in an ostensibly healthy population. It had not been previously curated by ICSL or reported in the Human Gene Mutation Database (HGMD: prior to June 1st, 2018), and was therefore a candidate for classification through an automated scoring system. Utilizing variant allele frequency, disease prevalence and penetrance estimates, and inheritance mode, an automated score was calculated to assess if this variant is too frequent to cause the disease. Based on the score and internal cut-off values, a variant classified as likely benign is not then subjected to further curation. The score for this variant resulted in a classification of likely benign for this disease.

NM_033022.4(RPS24):c.-37C>T

Genes: RPS24 (ribosomal protein S24; plus strand), LOC130004144 (ATAC-STARR-seq lymphoblastoid active region 3613; plus strand). Cytogenetic location: 10q22.3.
Variant type: single nucleotide variant.
Coding change: c.-37C>T on transcript NM_033022.4 (MANE Select); 37 bases upstream of the start codon, C replaced by T.
Molecular consequence: 5 prime UTR variant.
Genome position (GRCh38, 1-based): chr10:78,033,865, C>T. VCF-style: chr10-78033865-C-T. GRCh37 (hg19) VCF-style: chr10-79793623-C-T.
Other names: c.-37C>T (NM_001026.5, NM_001142282.2, NM_001142283.2 and 2 more transcripts).
Identifiers: ClinVar variation 877452 (VCV000877452.4), dbSNP rs375555593, ClinGen allele CA5571849.